The following is an entry in ClinVar:

NM_000152.5(GAA):c.2646+30G>T

Gene: GAA (alpha glucosidase; plus strand). Cytogenetic location: 17q25.3.
Variant type: single nucleotide variant.
Coding change: c.2646+30G>T on transcript NM_000152.5 (MANE Select); 30 bases into the intron after coding-DNA position 2646, G replaced by T.
Molecular consequence: intron variant.
Genome position (GRCh38, 1-based): chr17:80,118,387, G>T. VCF-style: chr17-80118387-G-T. GRCh37 (hg19) VCF-style: chr17-78092186-G-T.
Other names: p.?; c.2646+30G>T (NM_001406741.1, NM_001406742.1, NM_001079803.3 and 1 more transcripts).
Identifiers: ClinVar variation 4684258 (VCV004684258.1).

ClinVar aggregate classification (germline): Likely benign (1 of 4 stars; one submission).

gnomAD v4.1: 83 of 1,556,228 alleles (0.0053%); highest among the groups gnomAD compares: Non-Finnish European, 0.0067%; no homozygotes.

Submission:

Mayo Clinic Laboratories, Mayo Clinic
Classification: Likely benign. Last evaluated: 2025-08-14. Review status: criteria provided, single submitter. Criteria: ACMG Guidelines, 2015. Collection method: clinical testing. Allele origin: germline. Observed: 1 variant allele.
Comment: BP4, BP7